The following is an entry in ClinVar:

ClinVar aggregate classification (germline): Uncertain significance (1 of 4 stars; one submission).

Conditions:
Autosomal dominant polycystic kidney disease. Identifiers: Orphanet 730, MedGen C0085413, MONDO:0004691.

gnomAD v4.1: 6 of 1,609,230 alleles (0.00037%); highest among the groups gnomAD compares: Non-Finnish European, 0.00051%; no homozygotes.

Submission:

Labcorp Genetics (formerly Invitae), Labcorp
Classification: Uncertain significance for Autosomal dominant polycystic kidney disease. Last evaluated: 2024-05-06. Review status: criteria provided, single submitter. Criteria: Invitae Variant Classification Sherloc (09022015). Collection method: clinical testing. Allele origin: germline.
Comment: This sequence change replaces lysine, which is basic and polar, with threonine, which is neutral and polar, at codon 218 of the PKD2 protein (p.Lys218Thr). This variant is not present in population databases (gnomAD no frequency). This variant has not been reported in the literature in individuals affected with PKD2-related conditions. Advanced modeling of protein sequence and biophysical properties (such as structural, functional, and spatial information, amino acid conservation, physicochemical variation, residue mobility, and thermodynamic stability) performed at Invitae indicates that this missense variant is expected to disrupt PKD2 protein function with a positive predictive value of 80%. In summary, the available evidence is currently insufficient to determine the role of this variant in disease. Therefore, it has been classified as a Variant of Uncertain Significance.

NM_000297.4(PKD2):c.653A>C (p.Lys218Thr)

Gene: PKD2 (polycystin 2, transient receptor potential cation channel; plus strand). Cytogenetic location: 4q22.1.
Variant type: single nucleotide variant.
Coding change: c.653A>C on transcript NM_000297.4 (MANE Select); coding-DNA position 653, A replaced by C.
Protein change: p.Lys218Thr; replaces lysine 218 with threonine.
Molecular consequence: missense variant. On other transcripts: non-coding transcript variant (1).
Genome position (GRCh38, 1-based): chr4:88,019,515, A>C. VCF-style: chr4-88019515-A-C. GRCh37 (hg19) VCF-style: chr4-88940667-A-C.
Other names: short protein forms K218T.
Identifiers: ClinVar variation 3652254 (VCV003652254.2).
Genomic context (GRCh38, chr4:88,019,515, plus strand): 5'-AAGGTCTCTGGGGAACAAGACTCATGGAGGAAAGCAGCACTAACCGAGAGAAATACCTTA[A>C]AAGTGTTTTACGGGAACTGGTCACATACCTCCTTTTTCTCATAGTCTTGTGCATCTGTAA-3'
Protein context (NP_000288.1, residues 208-228): ESSTNREKYL[Lys218Thr]SVLRELVTYL